The following is an entry in ClinVar:

NM_001127198.5(TMC6):c.454G>A (p.Glu152Lys)

Gene: TMC6 (transmembrane channel like 6; minus strand). Cytogenetic location: 17q25.3.
Variant type: single nucleotide variant.
Coding change: c.454G>A on transcript NM_001127198.5 (MANE Select); coding-DNA position 454, G replaced by A.
Protein change: p.Glu152Lys; replaces glutamic acid 152 with lysine.
Molecular consequence: missense variant. On other transcripts: non-coding transcript variant (4).
Genome position (GRCh38, 1-based): chr17:78,125,240, C>T on the plus strand (G>A on the coding strand, the complement: TMC6 is on the minus strand). VCF-style: chr17-78125240-C-T. GRCh37 (hg19) VCF-style: chr17-76121321-C-T.
Other names: c.454G>A, p.Glu152Lys (NM_001321185.1, NM_001374593.1, NM_001374594.1 and 4 more transcripts); short protein forms E152K.
Identifiers: ClinVar variation 2095877 (VCV002095877.1), dbSNP rs2510662103, ClinGen allele CA401234228.
Genomic context (GRCh38, chr17:78,125,240, plus strand): 5'-GGCTTAAGGGCATCCCGCGAAGCATGTGGTCCCGCTGTGCCACTGCCAGGCTCTGGAGCT[C>T]CTTCACCAGGAGGCTCTGCTTCTCTGCGAGAGGGAGAGGGAGGTCCTGCCCATCCCCAAG-3'
Protein context (NP_001120670.1, residues 142-162): EEEKQSLLVK[Glu152Lys]LQSLAVAQRD

ClinVar aggregate classification (germline): Uncertain significance (1 of 4 stars; one submission).

Conditions:
Epidermodysplasia verruciformis. Identifiers: Orphanet 302, MedGen C0014522, MONDO:0009176.

Allele frequency attached by ClinVar (database versions not stated): gnomAD exomes below 0.00001.
gnomAD v4.1: 1 of 1,582,954 alleles (0.000063%); highest among the groups gnomAD compares: Non-Finnish European, 0.000086%; no homozygotes.

Submission:

Labcorp Genetics (formerly Invitae), Labcorp
Classification: Uncertain significance for Epidermodysplasia verruciformis. Last evaluated: 2022-08-22. Review status: criteria provided, single submitter. Criteria: Invitae Variant Classification Sherloc (09022015). Collection method: clinical testing. Allele origin: germline.
Comment: This sequence change replaces glutamic acid, which is acidic and polar, with lysine, which is basic and polar, at codon 152 of the TMC6 protein (p.Glu152Lys). This variant is not present in population databases (gnomAD no frequency). This variant has not been reported in the literature in individuals affected with TMC6-related conditions. Algorithms developed to predict the effect of missense changes on protein structure and function are either unavailable or do not agree on the potential impact of this missense change (SIFT: "Not Available"; PolyPhen-2: "Possibly Damaging"; Align-GVGD: "Not Available"). In summary, the available evidence is currently insufficient to determine the role of this variant in disease. Therefore, it has been classified as a Variant of Uncertain Significance.